The following is an entry in ClinVar:

NM_006208.3(ENPP1):c.2647A>T (p.Met883Leu)

Gene: ENPP1 (ectonucleotide pyrophosphatase/phosphodiesterase 1; plus strand). Cytogenetic location: 6q23.2.
Variant type: single nucleotide variant.
Coding change: c.2647A>T on transcript NM_006208.3 (MANE Select); coding-DNA position 2647, A replaced by T.
Protein change: p.Met883Leu; replaces methionine 883 with leucine.
Molecular consequence: missense variant.
Genome position (GRCh38, 1-based): chr6:131,890,380, A>T. VCF-style: chr6-131890380-A-T. GRCh37 (hg19) VCF-style: chr6-132211520-A-T.
Other names: short protein forms M883L.
Identifiers: ClinVar variation 4249176 (VCV004249176.2).

ClinVar aggregate classification (germline): Uncertain significance. Review status: criteria provided, multiple submitters, no conflicts (2 of 4 stars). 2 submissions from 2 submitters: Uncertain significance (2). Last evaluated 2025-09-13.

Conditions:
Inborn genetic diseases. Identifiers: MedGen C0950123, MeSH D030342.

gnomAD v4.1: 8 of 1,613,852 alleles (0.0005%); highest among the groups gnomAD compares: Non-Finnish European, 0.00068%; no homozygotes.

Submissions (2):

Labcorp Genetics (formerly Invitae), Labcorp
Classification: Uncertain significance. Last evaluated: 2025-09-13. Review status: criteria provided, single submitter. Criteria: Invitae Variant Classification Sherloc (09022015). Collection method: clinical testing. Allele origin: germline.
Comment: This sequence change replaces methionine, which is neutral and non-polar, with leucine, which is neutral and non-polar, at codon 883 of the ENPP1 protein (p.Met883Leu). This variant is present in population databases (no rsID available, gnomAD 0.0009%). This variant has not been reported in the literature in individuals affected with ENPP1-related conditions. Invitae Evidence Modeling of protein sequence and biophysical properties (such as structural, functional, and spatial information, amino acid conservation, physicochemical variation, residue mobility, and thermodynamic stability) indicates that this missense variant is not expected to disrupt ENPP1 protein function with a negative predictive value of 80%. In summary, the available evidence is currently insufficient to determine the role of this variant in disease. Therefore, it has been classified as a Variant of Uncertain Significance.

Ambry Genetics
Classification: Uncertain significance for Inborn genetic diseases. Last evaluated: 2025-08-21. Review status: criteria provided, single submitter. Criteria: Ambry Variant Classification Scheme 2023. Collection method: clinical testing. Allele origin: germline.